The following is an entry in ClinVar:

ClinVar aggregate classification (germline): Likely pathogenic (1 of 4 stars; one submission).

Conditions:
COL4A5-related disorder. Also called: COL4A5-related condition.

Submission:

PreventionGenetics, part of Exact Sciences
Classification: Likely pathogenic for COL4A5-related condition. Last evaluated: 2026-08-26. Review status: criteria provided, single submitter. Criteria: ACMG Guidelines, 2015. Collection method: clinical testing. Allele origin: germline.
Comment: The COL4A5 c.1794delT variant is predicted to result in a frameshift and premature protein termination (p.Phe598Leufs*20). To our knowledge, this variant has not been reported in the literature or in a large population database (gnomAD), indicating this variant is rare. Frameshift variants in COL4A5 are expected to be pathogenic. This variant is interpreted as likely pathogenic.

NM_033380.3(COL4A5):c.1794del (p.Phe598fs)

Gene: COL4A5 (collagen type IV alpha 5 chain; plus strand). Cytogenetic location: Xq22.3.
Variant type: Deletion.
Coding change: c.1794del on transcript NM_033380.3 (MANE Select); coding-DNA position 1794, one base deleted (T; older notation c.1794delT).
Protein change: p.Phe598fs; shifts the reading frame from phenylalanine 598.
Molecular consequence: frameshift variant.
Genome position (GRCh38, 1-based): chrX:108,598,716, T deleted; the last of 4 consecutive T bases (chrX:108,598,713-108,598,716); deleting any one gives the same sequence. VCF-style (leftmost placement, unchanged base first): chrX-108598712-CT-C. GRCh37 (hg19) VCF-style: chrX-107841942-CT-C.
Other names: c.1794del, p.Phe598fs (NM_000495.5); short protein forms F598fs.
Identifiers: ClinVar variation 4994908 (VCV004994908.1).